The following is an entry in ClinVar:

ClinVar aggregate classification (germline): Uncertain significance (1 of 4 stars; one submission).

Conditions:
Hereditary cancer-predisposing syndrome. Also called: Hereditary Cancer Syndrome; Hereditary neoplastic syndrome; Neoplastic Syndromes, Hereditary; Tumor predisposition. Identifiers: Orphanet 140162, MedGen C0027672, MeSH D009386, MONDO:0015356.

Submission:

Ambry Genetics
Classification: Uncertain significance for Hereditary cancer-predisposing syndrome. Last evaluated: 2022-02-16. Review status: criteria provided, single submitter. Criteria: Ambry Variant Classification Scheme 2023. Collection method: clinical testing. Allele origin: germline.
Comment: The c.1540_1542dupCAC variant (also known as p.H514dup), located in coding exon 11 of the PMS2 gene, results from an in-frame duplication of CAC at nucleotide positions 1540 to 1542. This results in the duplication of an extra residue between codons 514 and 515. In addition, the in silico prediction for this alteration is inconclusive (Choi Y et al. PLoS ONE. 2012; 7(10):e46688). Since supporting evidence is limited at this time, the clinical significance of this alteration remains unclear.

NM_000535.7(PMS2):c.1540_1542dup (p.His514_Cys515insHis)

Gene: PMS2 (PMS1 homolog 2, mismatch repair system component; minus strand). Cytogenetic location: 7p22.1.
Variant type: Duplication.
Coding change: c.1540_1542dup on transcript NM_000535.7 (MANE Select); coding-DNA positions 1540 to 1542, 3 bases duplicated (CAC; older notation c.1540_1542dupCAC).
Protein change: p.His514_Cys515insHis.
Molecular consequence: inframe insertion. On other transcripts: inframe indel (47), non-coding transcript variant (1).
Genome position (GRCh38, 1-based): chr7:5,987,223-5,987,225, GTG duplicated on the plus strand (CAC on the coding strand, the reverse complement: PMS2 is on the minus strand). VCF-style (leftmost placement, unchanged base first): chr7-5987222-A-AGTG. GRCh37 (hg19) VCF-style: chr7-6026853-A-AGTG.
Other names: c.1075_1077dup, p.His359_Cys360insHis (NM_001406900.1); c.1066_1068dup, p.His356_Cys357insHis (NM_001406901.1, NM_001406902.1); c.1222_1224dup, p.His408_Cys409insHis (NM_001406903.1, NM_001322007.2, NM_001322008.2 and 2 more transcripts); c.1027_1029dup, p.His343_Cys344insHis (NM_001406904.1, NM_001406905.1); c.979_981dup, p.His327_Cys328insHis (NM_001406907.1, NM_001406906.1, NM_001322010.2); c.1135_1137dup, p.His379_Cys380insHis (NM_001406908.1, NM_001018040.1, NM_001322003.2 and 17 more transcripts); c.1384_1386dup, p.His462_Cys463insHis (NM_001322006.2, NM_001406870.1); c.607_609dup, p.His203_Cys204insHis (NM_001322011.2, NM_001322012.2); and 13 more.
Identifiers: ClinVar variation 1774835 (VCV001774835.2), dbSNP rs2535774679, ClinGen allele CA2580076906.